The following is an entry in ClinVar:

ClinVar aggregate classification (germline): Likely benign (1 of 4 stars; one submission).

gnomAD v4.1: 9 of 1,613,864 alleles (0.00056%); highest among the groups gnomAD compares: Non-Finnish European, 0.00051%; no homozygotes.

Submission:

CeGaT Center for Human Genetics Tuebingen
Classification: Likely benign. Last evaluated: 2025-07-01. Review status: criteria provided, single submitter. Criteria: CeGaT Center For Human Genetics Tuebingen Variant Classification Criteria Version 2. Collection method: clinical testing. Allele origin: germline. Affected: yes. Observed: 1 variant allele.
Comment: SVIL: BP4, BP7

NM_021738.3(SVIL):c.4836A>G (p.Thr1612=)

Genes: SVIL (supervillin; minus strand), SVIL-AS1 (SVIL antisense RNA 1; plus strand). Cytogenetic location: 10p11.23.
Variant type: single nucleotide variant.
Coding change: c.4836A>G on transcript NM_021738.3 (MANE Select); coding-DNA position 4836, A replaced by G.
Protein change: p.Thr1612=; no amino-acid change (threonine 1612 retained).
Molecular consequence: synonymous variant. On other transcripts: non-coding transcript variant (3).
Genome position (GRCh38, 1-based): chr10:29,484,775, T>C on the plus strand (A>G on the coding strand, the complement: SVIL is on the minus strand). VCF-style: chr10-29484775-T-C. GRCh37 (hg19) VCF-style: chr10-29773704-T-C.
Other names: c.3906A>G, p.Thr1302= (NM_001323599.2); c.3654A>G, p.Thr1218= (NM_001323600.1); c.3558A>G, p.Thr1186= (NM_003174.3).
Identifiers: ClinVar variation 4084380 (VCV004084380.8).